The following is an entry in ClinVar:

NM_001955.5(EDN1):c.354G>C (p.Lys118Asn)

Gene: EDN1 (endothelin 1; plus strand). Cytogenetic location: 6p24.1.
Variant type: single nucleotide variant.
Coding change: c.354G>C on transcript NM_001955.5 (MANE Select); coding-DNA position 354, G replaced by C.
Protein change: p.Lys118Asn; replaces lysine 118 with asparagine.
Molecular consequence: missense variant.
Genome position (GRCh38, 1-based): chr6:12,294,061, G>C. VCF-style: chr6-12294061-G-C. GRCh37 (hg19) VCF-style: chr6-12294294-G-C.
Other names: c.351G>C, p.Lys117Asn (NM_001168319.2); short protein forms K117N, K118N.
Identifiers: ClinVar variation 2055751 (VCV002055751.3), dbSNP rs150128166, ClinGen allele CA3638697.

ClinVar aggregate classification (germline): Uncertain significance (1 of 4 stars; one submission).

Allele frequency attached by ClinVar (database versions not stated): gnomAD 0.00005; ESP Exome Variant Server 0.00008; ExAC 0.00009; 1000 Genomes Project 0.00020; 1000 Genomes Project 30x 0.00031.
gnomAD v4.1: 89 of 1,614,192 alleles (0.0055%); highest among the groups gnomAD compares: Non-Finnish European, 0.0071%; no homozygotes.

Submission:

Labcorp Genetics (formerly Invitae), Labcorp
Classification: Uncertain significance. Last evaluated: 2025-05-16. Review status: criteria provided, single submitter. Criteria: Invitae Variant Classification Sherloc (09022015). Collection method: clinical testing. Allele origin: germline.
Comment: This sequence change replaces lysine, which is basic and polar, with asparagine, which is neutral and polar, at codon 118 of the EDN1 protein (p.Lys118Asn). This variant is present in population databases (rs150128166, gnomAD 0.01%). This missense change has been observed in individual(s) with Tetralogy of Fallot (PMID: 24459294). ClinVar contains an entry for this variant (Variation ID: 2055751). An algorithm developed to predict the effect of missense changes on protein structure and function (PolyPhen-2) suggests that this variant is likely to be disruptive. In summary, the available evidence is currently insufficient to determine the role of this variant in disease. Therefore, it has been classified as a Variant of Uncertain Significance.

Literature cited by the submitters: PubMed 24459294.